The following is an entry in ClinVar:

NM_005198.5(CHKB):c.55G>C (p.Ala19Pro)

Genes: CHKB-CPT1B (CHKB-CPT1B readthrough (NMD candidate); minus strand), CHKB (choline kinase beta; minus strand). Cytogenetic location: 22q13.33.
Variant type: single nucleotide variant.
Coding change: c.55G>C on transcript NM_005198.5 (MANE Select); coding-DNA position 55, G replaced by C.
Protein change: p.Ala19Pro; replaces alanine 19 with proline.
Molecular consequence: missense variant. On other transcripts: non-coding transcript variant (1).
Genome position (GRCh38, 1-based): chr22:50,582,727, C>G on the plus strand (G>C on the coding strand, the complement: CHKB is on the minus strand). VCF-style: chr22-50582727-C-G. GRCh37 (hg19) VCF-style: chr22-51021156-C-G.
Other names: short protein forms A19P.
Identifiers: ClinVar variation 571658 (VCV000571658.6), dbSNP rs1317692402, ClinGen allele CA412203997.

ClinVar aggregate classification (germline): Uncertain significance (1 of 4 stars; one submission).

Conditions:
Megaconial type congenital muscular dystrophy (MDCMC). Also called: MUSCULAR DYSTROPHY, CONGENITAL, WITH MITOCHONDRIAL STRUCTURAL ABNORMALITIES; CHKB-Related Muscle Diseases; CHKB-Related Muscular Dystrophy. Identifiers: Orphanet 280671, MedGen C1865233, MONDO:0011246, OMIM 602541.

gnomAD v4.1: 3 of 1,604,452 alleles (0.00019%); highest among the groups gnomAD compares: Non-Finnish European, 0.00017%; no homozygotes.

Submission:

Labcorp Genetics (formerly Invitae), Labcorp
Classification: Uncertain significance for Megaconial type congenital muscular dystrophy. Last evaluated: 2022-08-10. Review status: criteria provided, single submitter. Criteria: Invitae Variant Classification Sherloc (09022015). Collection method: clinical testing. Allele origin: germline.
Comment: This sequence change replaces alanine, which is neutral and non-polar, with proline, which is neutral and non-polar, at codon 19 of the CHKB protein (p.Ala19Pro). In summary, the available evidence is currently insufficient to determine the role of this variant in disease. Therefore, it has been classified as a Variant of Uncertain Significance. Algorithms developed to predict the effect of missense changes on protein structure and function output the following: SIFT: "Tolerated"; PolyPhen-2: "Benign"; Align-GVGD: "Class C0". The proline amino acid residue is found in multiple mammalian species, which suggests that this missense change does not adversely affect protein function. ClinVar contains an entry for this variant (Variation ID: 571658). This variant has not been reported in the literature in individuals affected with CHKB-related conditions. This variant is not present in population databases (gnomAD no frequency).